The following is an entry in ClinVar:

NM_014141.6(CNTNAP2):c.3791T>C (p.Ile1264Thr)

Gene: CNTNAP2 (contactin associated protein 2; plus strand). Cytogenetic location: 7q36.1.
Variant type: single nucleotide variant.
Coding change: c.3791T>C on transcript NM_014141.6 (MANE Select); coding-DNA position 3791, T replaced by C.
Protein change: p.Ile1264Thr; replaces isoleucine 1264 with threonine.
Molecular consequence: missense variant.
Genome position (GRCh38, 1-based): chr7:148,409,466, T>C. VCF-style: chr7-148409466-T-C. GRCh37 (hg19) VCF-style: chr7-148106558-T-C.
Other names: short protein forms I1264T.
Identifiers: ClinVar variation 128806 (VCV000128806.11), dbSNP rs376316135, ClinGen allele CA231043.

ClinVar aggregate classification (germline): Uncertain significance. Review status: criteria provided, multiple submitters, no conflicts (2 of 4 stars). 2 submissions from 2 submitters: Uncertain significance (2). Last evaluated 2022-02-20.

Conditions:
Cortical dysplasia-focal epilepsy syndrome (PTHSL1). Also called: Pitt-Hopkins-like syndrome 1. Identifiers: Orphanet 163681, Orphanet 221150, MedGen C2750246, MONDO:0012400, OMIM 610042.

Allele frequency attached by ClinVar (database versions not stated): ExAC 0.00001; gnomAD exomes 0.00001 and 0.00002; gnomAD 0.00002; TOPMed 0.00005; ESP Exome Variant Server 0.00008.
gnomAD v4.1: 29 of 1,613,556 alleles (0.0018%); highest among the groups gnomAD compares: East Asian, 0.0067%; no homozygotes.

Submissions (2):

Labcorp Genetics (formerly Invitae), Labcorp
Classification: Uncertain significance for Cortical dysplasia-focal epilepsy syndrome. Last evaluated: 2022-02-20. Review status: criteria provided, single submitter. Criteria: Invitae Variant Classification Sherloc (09022015). Collection method: clinical testing. Allele origin: germline.
Comment: This sequence change replaces isoleucine, which is neutral and non-polar, with threonine, which is neutral and polar, at codon 1264 of the CNTNAP2 protein (p.Ile1264Thr). This variant is present in population databases (rs376316135, gnomAD 0.01%). This variant has not been reported in the literature in individuals affected with CNTNAP2-related conditions. ClinVar contains an entry for this variant (Variation ID: 128806). Algorithms developed to predict the effect of missense changes on protein structure and function are either unavailable or do not agree on the potential impact of this missense change (SIFT: "Deleterious"; PolyPhen-2: "Benign"; Align-GVGD: "Class C65"). In summary, the available evidence is currently insufficient to determine the role of this variant in disease. Therefore, it has been classified as a Variant of Uncertain Significance.

Genetic Services Laboratory, University of Chicago
Classification: Uncertain significance. Last evaluated: 2013-12-10. Review status: criteria provided, single submitter. Criteria: ACMG Guidelines, 2007. Collection method: clinical testing. Allele origin: germline. Inheritance: Autosomal recessive inheritance.